The following is an entry in ClinVar:

ClinVar aggregate classification (germline): Likely pathogenic (1 of 4 stars; one submission).

Conditions:
EBF3-related disorder. Identifiers: MedGen CN239924.

Submission:

PreventionGenetics, part of Exact Sciences
Classification: Likely pathogenic for EBF3-related condition. Last evaluated: 2023-06-09. Review status: criteria provided, single submitter. Criteria: ACMG Guidelines, 2015. Collection method: clinical testing. Allele origin: germline.
Comment: The EBF3 c.117delC variant is predicted to result in a frameshift and premature protein termination (p.Asn40Thrfs*92). To our knowledge, this variant has not been reported in the literature or in a large population database, indicating this variant is rare. Frameshift variants in EBF3 are expected to be pathogenic. This variant is interpreted as likely pathogenic.

NM_001375380.1(EBF3):c.117del (p.Asn40fs)

Gene: EBF3 (EBF transcription factor 3; minus strand). Cytogenetic location: 10q26.3.
Variant type: Deletion.
Coding change: c.117del on transcript NM_001375380.1 (MANE Select); coding-DNA position 117, one base deleted (C; older notation c.117delC).
Protein change: p.Asn40fs; shifts the reading frame from asparagine 40.
Molecular consequence: frameshift variant.
Genome position (GRCh38, 1-based): chr10:129,963,652, G deleted on the plus strand (C on the coding strand, the reverse complement: EBF3 is on the minus strand); the first of 2 consecutive G bases (chr10:129,963,652-129,963,653); deleting either gives the same sequence. VCF-style (leftmost placement, unchanged base first): chr10-129963651-TG-T. GRCh37 (hg19) VCF-style: chr10-131761915-TG-T.
Other names: c.117del, p.Asn40fs (NM_001005463.3, NM_001375379.1, NM_001375389.1 and 3 more transcripts); short protein forms N40fs.
Identifiers: ClinVar variation 2633193 (VCV002633193.1), dbSNP rs2493684497, ClinGen allele CA2695201054.
Genomic context (GRCh38, chr10:129,963,651, plus strand): 5'-GGCCGGGGCCGGGGCCAGGGCGCGCGGGGGCGGCCGGTACGTACCTCTGGGCGGCCGTGT[TG>T]GCGTCCACCACGCCCGCCGTGTGCATCCACGAGCGCACCGGGTTCATGCCGCTGCCCAGC-3'